The following is an entry in ClinVar:

ClinVar aggregate classification (germline): Likely benign (0 of 4 stars; one submission).

Conditions:
FLNA-related disorder.

Allele frequency attached by ClinVar (database versions not stated): gnomAD 0.00017; TOPMed 0.00022.
gnomAD v4.1: 18 of 110,703 alleles (0.016%); highest among the groups gnomAD compares: Non-Finnish European, 0.026%; no homozygotes.

Submission:

PreventionGenetics, part of Exact Sciences
Classification: Likely benign for FLNA-related condition. Last evaluated: 2024-02-07. Review status: no assertion criteria provided. Collection method: clinical testing. Allele origin: germline.
Comment: This variant is classified as likely benign based on ACMG/AMP sequence variant interpretation guidelines (Richards et al. 2015 PMID: 25741868, with internal and published modifications).

NM_001110556.2(FLNA):c.2280+398T>C

Gene: FLNA (filamin A; minus strand). Cytogenetic location: Xq28.
Variant type: single nucleotide variant.
Coding change: c.2280+398T>C on transcript NM_001110556.2 (MANE Select); 398 bases into the intron after coding-DNA position 2280, T replaced by C.
Molecular consequence: intron variant.
Genome position (GRCh38, 1-based): chrX:154,363,624, A>G on the plus strand (T>C on the coding strand, the complement: FLNA is on the minus strand). VCF-style: chrX-154363624-A-G. GRCh37 (hg19) VCF-style: chrX-153591992-A-G.
Other names: c.2280+398T>C (NM_001456.4).
Identifiers: ClinVar variation 3051101 (VCV003051101.2), dbSNP rs782757787, ClinGen allele CA337282127.